The following is an entry in ClinVar:

ClinVar aggregate classification (germline): Uncertain significance. Review status: criteria provided, multiple submitters, no conflicts (2 of 4 stars). 2 submissions from 2 submitters: Uncertain significance (2). Last evaluated 2025-08-11.

Conditions:
O'Donnell-Luria-Rodan syndrome (ODLURO). Also called: KMT2E-Related Neurodevelopmental Disorder. Identifiers: MedGen C5193138, MONDO:0032793, OMIM 618512.

Allele frequency attached by ClinVar (database versions not stated): gnomAD 0.00001; gnomAD exomes 0.00001; ExAC 0.00002.
gnomAD v4.1: 13 of 1,613,626 alleles (0.00081%); highest among the groups gnomAD compares: South Asian, 0.014%; no homozygotes.

Submissions (2):

Labcorp Genetics (formerly Invitae), Labcorp
Classification: Uncertain significance. Last evaluated: 2025-08-11. Review status: criteria provided, single submitter. Criteria: Invitae Variant Classification Sherloc (09022015). Collection method: clinical testing. Allele origin: germline.
Comment: This sequence change replaces asparagine, which is neutral and polar, with serine, which is neutral and polar, at codon 1645 of the KMT2E protein (p.Asn1645Ser). This variant is present in population databases (rs756494909, gnomAD 0.02%). This variant has not been reported in the literature in individuals affected with KMT2E-related conditions. ClinVar contains an entry for this variant (Variation ID: 3009114). An algorithm developed to predict the effect of missense changes on protein structure and function outputs the following: PolyPhen-2: "Benign". The serine amino acid residue is found in multiple mammalian species, which suggests that this missense change does not adversely affect protein function. In summary, the available evidence is currently insufficient to determine the role of this variant in disease. Therefore, it has been classified as a Variant of Uncertain Significance.

Neuberg Centre For Genomic Medicine, NCGM
Classification: Uncertain significance for O'Donnell-Luria-Rodan syndrome. Last evaluated: 2023-05-20. Review status: criteria provided, single submitter. Criteria: ACMG Guidelines, 2015. Collection method: clinical testing. Allele origin: germline. Inheritance: Autosomal dominant inheritance. Affected: yes.
Comment: The observed missense c.4934A>G(p.Asn1645Ser) variant in KMT2E gene has not been reported previously as a pathogenic variant nor a benign variant, to our knowledge. The p.Asn1645Ser variant has been reported with allele frequency of 0.002% in gnomAD Exomes. This variant has not been submitted to the ClinVar database. Multiple lines of computational evidences (Polyphen - Benign, SIFT - Tolerated and MutationTaster - Polymorphism) predict no damaging effect on protein structure and function for this variant. The amino acid change p.Asn1645Ser in KMT2E is predicted as conserved by PhyloP across 100 vertebrates. The amino acid Asn at position 1645 is changed to a Ser changing protein sequence and it might alter its composition and physico-chemical properties. For these reasons, this variant has been classified as a Variant of Uncertain Significance (VUS).

NM_182931.3(KMT2E):c.4934A>G (p.Asn1645Ser)

Gene: KMT2E (lysine methyltransferase 2E (inactive); plus strand). Cytogenetic location: 7q22.3.
Variant type: single nucleotide variant.
Coding change: c.4934A>G on transcript NM_182931.3 (MANE Select); coding-DNA position 4934, A replaced by G.
Protein change: p.Asn1645Ser; replaces asparagine 1645 with serine.
Molecular consequence: missense variant.
Genome position (GRCh38, 1-based): chr7:105,112,690, A>G. VCF-style: chr7-105112690-A-G. GRCh37 (hg19) VCF-style: chr7-104753137-A-G.
Other names: c.4808A>G, p.Asn1603Ser (NM_001410908.1); c.4934A>G, p.Asn1645Ser (NM_018682.4); short protein forms N1645S, N1603S.
Identifiers: ClinVar variation 3009114 (VCV003009114.4), dbSNP rs756494909, ClinGen allele CA4424862.